The following is an entry in ClinVar:

NM_001355436.2(SPTB):c.1652T>A (p.Leu551His)

Gene: SPTB (spectrin beta, erythrocytic; minus strand). Cytogenetic location: 14q23.3.
Variant type: single nucleotide variant.
Coding change: c.1652T>A on transcript NM_001355436.2 (MANE Select); coding-DNA position 1652, T replaced by A.
Protein change: p.Leu551His; replaces leucine 551 with histidine.
Molecular consequence: missense variant.
Genome position (GRCh38, 1-based): chr14:64,794,610, A>T on the plus strand (T>A on the coding strand, the complement: SPTB is on the minus strand). VCF-style: chr14-64794610-A-T. GRCh37 (hg19) VCF-style: chr14-65261328-A-T.
Other names: c.1652T>A, p.Leu551His (NM_001355437.2, NM_001024858.4); short protein forms L551H.
Identifiers: ClinVar variation 4080334 (VCV004080334.2).

ClinVar aggregate classification (germline): Uncertain significance. Review status: criteria provided, multiple submitters, no conflicts (2 of 4 stars). 2 submissions from 2 submitters: Uncertain significance (2). Last evaluated 2026-01-14.

gnomAD v4.1: 112 of 1,614,090 alleles (0.0069%); highest among the groups gnomAD compares: Non-Finnish European, 0.0091%; no homozygotes.

Submissions (2):

Labcorp Genetics (formerly Invitae), Labcorp
Classification: Uncertain significance. Last evaluated: 2026-01-14. Review status: criteria provided, single submitter. Criteria: Invitae Variant Classification Sherloc (09022015). Collection method: clinical testing. Allele origin: germline.
Comment: This sequence change replaces leucine, which is neutral and non-polar, with histidine, which is basic and polar, at codon 551 of the SPTB protein (p.Leu551His). This variant is present in population databases (rs368886050, gnomAD 0.006%). This variant has not been reported in the literature in individuals affected with SPTB-related conditions. ClinVar contains an entry for this variant (Variation ID: 4080334). An algorithm developed to predict the effect of missense changes on protein structure and function (PolyPhen-2) suggests that this variant is likely to be disruptive. In summary, the available evidence is currently insufficient to determine the role of this variant in disease. Therefore, it has been classified as a Variant of Uncertain Significance.

Revvity Omics, Revvity
Classification: Uncertain significance. Last evaluated: 2023-09-20. Review status: criteria provided, single submitter. Criteria: ACMG Guidelines, 2015. Collection method: clinical testing. Allele origin: germline.